The following is an entry in ClinVar:

ClinVar aggregate classification (germline): Uncertain significance (1 of 4 stars; one submission).

Conditions:
Dyskeratosis congenita. Identifiers: Orphanet 1775, MedGen C0265965, MONDO:0015780.

Submission:

Ambry Genetics
Classification: Uncertain significance for Dyskeratosis congenita. Last evaluated: 2025-07-03. Review status: criteria provided, single submitter. Criteria: Ambry Variant Classification Scheme 2023. Collection method: clinical testing. Allele origin: germline.
Comment: The p.P64Q variant (also known as c.191C>A), located in coding exon 1 of the TERT gene, results from a C to A substitution at nucleotide position 191. The proline at codon 64 is replaced by glutamine, an amino acid with similar properties. This amino acid position is conserved. In addition, the in silico prediction for this alteration is inconclusive. Based on the available evidence, the clinical significance of this variant remains unclear.

NM_198253.3(TERT):c.191C>A (p.Pro64Gln)

Genes: TERT (telomerase reverse transcriptase; minus strand), LOC110806263 (TERT 5' regulatory region; plus strand). Cytogenetic location: 5p15.33.
Variant type: single nucleotide variant.
Coding change: c.191C>A on transcript NM_198253.3 (MANE Select); coding-DNA position 191, C replaced by A.
Protein change: p.Pro64Gln; replaces proline 64 with glutamine.
Molecular consequence: missense variant. On other transcripts: non-coding transcript variant (2).
Genome position (GRCh38, 1-based): chr5:1,294,799, G>T on the plus strand (C>A on the coding strand, the complement: TERT is on the minus strand). VCF-style: chr5-1294799-G-T. GRCh37 (hg19) VCF-style: chr5-1294914-G-T.
Other names: c.191C>A, p.Pro64Gln (NM_001193376.3); short protein forms P64Q.
Identifiers: ClinVar variation 4182782 (VCV004182782.1).